The following is an entry in ClinVar:

NM_015665.6(AAAS):c.1087G>A (p.Gly363Ser)

Gene: AAAS (aladin WD repeat nucleoporin; minus strand). Cytogenetic location: 12q13.13.
Variant type: single nucleotide variant.
Coding change: c.1087G>A on transcript NM_015665.6 (MANE Select); coding-DNA position 1087, G replaced by A.
Protein change: p.Gly363Ser; replaces glycine 363 with serine.
Molecular consequence: missense variant.
Genome position (GRCh38, 1-based): chr12:53,308,725, C>T on the plus strand (G>A on the coding strand, the complement: AAAS is on the minus strand). VCF-style: chr12-53308725-C-T. GRCh37 (hg19) VCF-style: chr12-53702509-C-T.
Other names: c.988G>A, p.Gly330Ser (NM_001173466.2); short protein forms G330S, G363S.
Identifiers: ClinVar variation 2444430 (VCV002444430.1), dbSNP rs2498607093, ClinGen allele CA385040150.

ClinVar aggregate classification (germline): Uncertain significance (1 of 4 stars; one submission).

Conditions:
Glucocorticoid deficiency with achalasia (AAAS). Also called: Achalasia-Addisonianism-Alacrima (Triple-A) Syndrome; Triple-A syndrome; Alacrima-achalasia-addisonianism; ACTH-resistant adrenal insufficiency, achalasia and alacrima; Glucocorticoid deficiency and achalasia; Hypoadrenalism with achalasia. Identifiers: Orphanet 869, MedGen C0271742, MONDO:0009279, OMIM 231550.

Submission:

3billion
Classification: Uncertain significance for Glucocorticoid deficiency with achalasia. Last evaluated: 2023-02-23. Review status: criteria provided, single submitter. Criteria: ACMG Guidelines, 2015. Collection method: clinical testing. Allele origin: unknown. Affected: yes.
Comment: The variant is not observed in the gnomAD v2.1.1 dataset. In silico tools predict the variant to alter splicing and produce an abnormal transcript (SpliceAI: 0.72). Therefore, this variant is classified as VUS according to the recommendation of ACMG/AMP guideline.